The following is an entry in ClinVar:

ClinVar aggregate classification (germline): Likely pathogenic (1 of 4 stars; one submission).

Conditions:
JKAMP-associated neurodevelopmental disease.

Submission:

The Shared Resource Centre "Genome", Research Centre for Medical Genetics
Classification: Likely pathogenic for JKAMP-associated neurodevelopmental disease. Last evaluated: 2026-03-02. Review status: criteria provided, single submitter. Criteria: ACMG Guidelines, 2015. Collection method: clinical testing. Allele origin: biparental. Inheritance: Autosomal recessive inheritance. Affected: yes. Observed: 1 compound heterozygote.
Comment: The variant is a null variant (stop-gain) located in exon 3/7. Loss of function is a known disease mechanism for this gene. The variant is predicted to undergo nonsense-mediated decay (NMD). Two other pathogenic null variants have been reported in ClinVar for this gene (chr14:59498909:G>T, chr14:59495225:G>C) across different exons, supporting that loss-of-function is a disease mechanism. The gnomAD observed/expected score is 0.62, indicating intolerance to loss-of-function variation. Allele frequency is extremely low in all population databases (gnomAD, 1000 Genomes, etc.) - 0. This variant was observed in trans with variant NM_016475.5: c.56T>G, p.(Leu19Ter), confirming a compound heterozygous state.

Literature cited by the submitters: PubMed 28726809.

NM_016475.5(JKAMP):c.139C>T (p.Gln47Ter)

Genes: JKAMP (JNK1/MAPK8 associated membrane protein; plus strand), L3HYPDH (trans-L-3-hydroxyproline dehydratase; minus strand). Cytogenetic location: 14q23.1.
Variant type: single nucleotide variant.
Coding change: c.139C>T on transcript NM_016475.5 (MANE Select); coding-DNA position 139, C replaced by T.
Protein change: p.Gln47Ter; replaces glutamine 47 with a stop codon.
Molecular consequence: nonsense. On other transcripts: 5 prime UTR variant (1).
Genome position (GRCh38, 1-based): chr14:59,487,716, C>T. VCF-style: chr14-59487716-C-T. GRCh37 (hg19) VCF-style: chr14-59954434-C-T.
Other names: c.121C>T, p.Gln41Ter (NM_001098625.3); c.181C>T, p.Gln61Ter (NM_001284201.2); c.163C>T, p.Gln55Ter (NM_001284202.2); c.-51C>T (NM_001284203.2); c.139C>T, p.Gln47Ter (NM_001284204.2); short protein forms Q41*, Q47*, Q55*, Q61*.
Identifiers: ClinVar variation 4813082 (VCV004813082.1).